The following is an entry in ClinVar:

NM_001114753.3(ENG):c.-116C>T

Gene: ENG (endoglin; minus strand). Cytogenetic location: 9q34.11.
Variant type: single nucleotide variant.
Coding change: c.-116C>T on transcript NM_001114753.3 (MANE Select); 116 bases upstream of the start codon, C replaced by T.
Molecular consequence: 5 prime UTR variant.
Genome position (GRCh38, 1-based): chr9:127,854,471, G>A on the plus strand (C>T on the coding strand, the complement: ENG is on the minus strand). VCF-style: chr9-127854471-G-A. GRCh37 (hg19) VCF-style: chr9-130616750-G-A.
Other names: c.-116C>T (NM_000118.4, NM_001406715.1).
Identifiers: ClinVar variation 4778319 (VCV004778319.1).

ClinVar aggregate classification (germline): Uncertain significance (1 of 4 stars; one submission).

Conditions:
Hereditary hemorrhagic telangiectasia (HHT). Also called: ORW DISEASE; Osler Weber Rendu syndrome; OSLER-RENDU-WEBER DISEASE; Osler hemorrhagic telangiectasia syndrome. Identifiers: Orphanet 774, MedGen C0039445, MONDO:0019180. Disease mechanism: loss of function.

gnomAD v4.1: 7 of 1,168,462 alleles (0.0006%); highest among the groups gnomAD compares: East Asian, 0.0054%; no homozygotes.

Submission:

Labcorp Genetics (formerly Invitae), Labcorp
Classification: Uncertain significance for Hereditary hemorrhagic telangiectasia. Last evaluated: 2025-09-28. Review status: criteria provided, single submitter. Criteria: Invitae Variant Classification Sherloc (09022015). Collection method: clinical testing. Allele origin: germline.
Comment: This variant occurs in a non-coding region of the ENG gene. It does not change the encoded amino acid sequence of the ENG protein. This variant is not present in population databases (gnomAD no frequency). This variant has not been reported in the literature in individuals affected with ENG-related conditions. In summary, the available evidence is currently insufficient to determine the role of this variant in disease. Therefore, it has been classified as a Variant of Uncertain Significance.